The following is an entry in ClinVar:

ClinVar aggregate classification (germline): Uncertain significance (1 of 4 stars; one submission).

Allele frequency attached by ClinVar (database versions not stated): gnomAD exomes below 0.00001; TOPMed below 0.00001.
gnomAD v4.1: 1 of 1,612,926 alleles (0.000062%); highest among the groups gnomAD compares: Non-Finnish European, 0.000085%; no homozygotes.

Submission:

Labcorp Genetics (formerly Invitae), Labcorp
Classification: Uncertain significance. Last evaluated: 2022-04-18. Review status: criteria provided, single submitter. Criteria: Invitae Variant Classification Sherloc (09022015). Collection method: clinical testing. Allele origin: germline.
Comment: This sequence change replaces alanine, which is neutral and non-polar, with threonine, which is neutral and polar, at codon 233 of the LRPPRC protein (p.Ala233Thr). This variant is not present in population databases (gnomAD no frequency). This variant has not been reported in the literature in individuals affected with LRPPRC-related conditions. Algorithms developed to predict the effect of missense changes on protein structure and function (SIFT, PolyPhen-2, Align-GVGD) all suggest that this variant is likely to be tolerated. In summary, the available evidence is currently insufficient to determine the role of this variant in disease. Therefore, it has been classified as a Variant of Uncertain Significance.

NM_133259.4(LRPPRC):c.697G>A (p.Ala233Thr)

Gene: LRPPRC (leucine rich pentatricopeptide repeat containing; minus strand). Cytogenetic location: 2p21.
Variant type: single nucleotide variant.
Coding change: c.697G>A on transcript NM_133259.4 (MANE Select); coding-DNA position 697, G replaced by A.
Protein change: p.Ala233Thr; replaces alanine 233 with threonine.
Molecular consequence: missense variant.
Genome position (GRCh38, 1-based): chr2:43,976,183, C>T on the plus strand (G>A on the coding strand, the complement: LRPPRC is on the minus strand). VCF-style: chr2-43976183-C-T. GRCh37 (hg19) VCF-style: chr2-44203322-C-T.
Other names: short protein forms A233T.
Identifiers: ClinVar variation 1943081 (VCV001943081.2), dbSNP rs1674046161, ClinGen allele CA346675255.